The following is an entry in ClinVar:

NM_001195427.2(SRSF2):c.183C>T (p.Arg61=)

Genes: MFSD11 (major facilitator superfamily domain containing 11; plus strand), SRSF2 (serine and arginine rich splicing factor 2; minus strand). Cytogenetic location: 17q25.1.
Variant type: single nucleotide variant.
Coding change: c.183C>T on transcript NM_001195427.2 (MANE Select); coding-DNA position 183, C replaced by T.
Protein change: p.Arg61=; no amino-acid change (arginine 61 retained).
Molecular consequence: synonymous variant. On other transcripts: non-coding transcript variant (4), 5 prime UTR variant (2).
Genome position (GRCh38, 1-based): chr17:76,736,978, G>A on the plus strand (C>T on the coding strand, the complement: SRSF2 is on the minus strand). VCF-style: chr17-76736978-G-A. GRCh37 (hg19) VCF-style: chr17-74733060-G-A.
Other names: c.183C>T, p.Arg61= (NM_003016.5); c.-185G>A (NM_001242534.3); c.-180G>A (NM_001353017.2).
Identifiers: ClinVar variation 2648320 (VCV002648320.22), dbSNP rs200354490, ClinGen allele CA8790432.

ClinVar aggregate classification (germline): Likely benign (1 of 4 stars; one submission).

Allele frequency attached by ClinVar (database versions not stated): 1000 Genomes Project 30x 0.00125; 1000 Genomes Project 0.00140; ESP Exome Variant Server 0.00015; ExAC 0.00043; gnomAD exomes 0.00029.
gnomAD v4.1: 466 of 1,613,558 alleles (0.029%); highest among the groups gnomAD compares: East Asian, 0.92%; 1 homozygote.

Submission:

CeGaT Center for Human Genetics Tuebingen
Classification: Likely benign. Last evaluated: 2023-02-01. Review status: criteria provided, single submitter. Criteria: CeGaT Center For Human Genetics Tuebingen Variant Classification Criteria Version 2. Collection method: clinical testing. Allele origin: germline. Affected: yes. Observed: 1 variant allele.
Comment: SRSF2: BP4, BP7